The following is an entry in ClinVar:

ClinVar aggregate classification (germline): Uncertain significance (1 of 4 stars; one submission).

Conditions:
Thrombocytopenia 1. Also called: X-Linked Thrombocytopenia (XLT); X-linked thrombocytopenia with normal platelets; THROMBOCYTOPENIA, X-LINKED, 1. Identifiers: Orphanet 268322, Orphanet 852, MedGen C1839163, MONDO:0010743, OMIM 313900.
Wiskott-Aldrich syndrome (WAS). Also called: ALDRICH SYNDROME; IMMUNODEFICIENCY 2; Wiskott-aldrich syndrome, somatic; WISKOTT-ALDRICH SYNDROME 1. Identifiers: Orphanet 906, MedGen C0043194, MONDO:0010518, OMIM 301000.
X-linked severe congenital neutropenia (SCNX). Identifiers: Orphanet 86788, MedGen C1845987, MONDO:0010294, OMIM 300299.

Allele frequency attached by ClinVar (database versions not stated): gnomAD exomes 0.00001.

Submission:

Labcorp Genetics (formerly Invitae), Labcorp
Classification: Uncertain significance for Wiskott-Aldrich syndrome; X-linked severe congenital neutropenia; Thrombocytopenia 1. Last evaluated: 2020-02-26. Review status: criteria provided, single submitter. Criteria: Invitae Variant Classification Sherloc (09022015). Collection method: clinical testing. Allele origin: germline.
Comment: This sequence change replaces arginine with histidine at codon 309 of the WAS protein (p.Arg309His). The arginine residue is moderately conserved and there is a small physicochemical difference between arginine and histidine. This variant is not present in population databases (ExAC no frequency). This variant has not been reported in the literature in individuals with WAS-related conditions. Algorithms developed to predict the effect of missense changes on protein structure and function are either unavailable or do not agree on the potential impact of this missense change (SIFT: "Not Available"; PolyPhen-2: "Probably Damaging"; Align-GVGD: "Not Available"). In summary, the available evidence is currently insufficient to determine the role of this variant in disease. Therefore, it has been classified as a Variant of Uncertain Significance.

NM_000377.3(WAS):c.926G>A (p.Arg309His)

Gene: WAS (WASP actin nucleation promoting factor; plus strand). Cytogenetic location: Xp11.23.
Variant type: single nucleotide variant.
Coding change: c.926G>A on transcript NM_000377.3 (MANE Select); coding-DNA position 926, G replaced by A.
Protein change: p.Arg309His; replaces arginine 309 with histidine.
Molecular consequence: missense variant.
Genome position (GRCh38, 1-based): chrX:48,688,448, G>A. VCF-style: chrX-48688448-G-A. GRCh37 (hg19) VCF-style: chrX-48546837-G-A.
Other names: short protein forms R309H.
Identifiers: ClinVar variation 1025486 (VCV001025486.7), dbSNP rs1557007058, ClinGen allele CA412872568.